The following is an entry in ClinVar:

ClinVar aggregate classification (germline): Conflicting classifications of pathogenicity. Review status: criteria provided, conflicting classifications (1 of 4 stars). 4 submissions from 4 submitters: Uncertain significance (3); Likely benign (1). Last evaluated 2026-01-24.

Conditions:
Epidermolysis bullosa simplex 5B, with muscular dystrophy (EBS5B). Also called: Epidermolysis bullosa simplex with muscular dystrophy; EPIDERMOLYSIS BULLOSA SIMPLEX AND LIMB-GIRDLE MUSCULAR DYSTROPHY. Identifiers: Orphanet 257, MedGen C2931072, MONDO:0009181, OMIM 226670.
Epidermolysis bullosa simplex, Ogna type (EBS5A). Also called: Pidermolysis bullosa simplex 5A, Ogna type; EPIDERMOLYSIS BULLOSA SIMPLEX 5A, OGNA TYPE. Identifiers: Orphanet 79401, MedGen C0432317, MONDO:0007555, OMIM 131950.
Autosomal recessive limb-girdle muscular dystrophy type 2Q (LGMDR17). Also called: MUSCULAR DYSTROPHY, LIMB-GIRDLE, AUTOSOMAL RECESSIVE 17. Identifiers: Orphanet 254361, MedGen C3150989, MONDO:0013390, OMIM 613723.
Epidermolysis bullosa simplex 5C, with pyloric atresia (EBS5C). Also called: PLEC-Related Epidermolysis Bullosa with Pyloric Atresia; Epidermolysis bullosa simplex with pyloric atresia; PLEC1-Related Epidermolysis Bullosa with Pyloric Atresia. Identifiers: Orphanet 158684, MedGen C2677349, MONDO:0012807, OMIM 612138.
Epidermolysis bullosa simplex with nail dystrophy (EBS5D). Identifiers: MedGen C4225309, MONDO:0014661, OMIM 616487.

Allele frequency attached by ClinVar (database versions not stated): gnomAD 0.00008; TOPMed 0.00008; ExAC 0.00014; gnomAD exomes 0.00017.
gnomAD v4.1: 193 of 1,596,468 alleles (0.012%); highest among the groups gnomAD compares: Middle Eastern, 0.25%; no homozygotes.

Submissions (4):

Labcorp Genetics (formerly Invitae), Labcorp
Classification: Uncertain significance for Autosomal recessive limb-girdle muscular dystrophy type 2Q; Epidermolysis bullosa simplex, Ogna type; Epidermolysis bullosa simplex with nail dystrophy; Epidermolysis bullosa simplex 5C, with pyloric atresia; Epidermolysis bullosa simplex 5B, with muscular dystrophy. Last evaluated: 2026-01-24. Review status: criteria provided, single submitter. Criteria: Invitae Variant Classification Sherloc (09022015). Collection method: clinical testing. Allele origin: germline.
Comment: This sequence change replaces arginine, which is basic and polar, with glutamine, which is neutral and polar, at codon 3939 of the PLEC protein (p.Arg3939Gln). This variant is present in population databases (rs781960031, gnomAD 0.07%). This variant has not been reported in the literature in individuals affected with PLEC-related conditions. ClinVar contains an entry for this variant (Variation ID: 378373). An algorithm developed to predict the effect of missense changes on protein structure and function outputs the following: PolyPhen-2: "Benign". The glutamine amino acid residue is found in multiple mammalian species, which suggests that this missense change does not adversely affect protein function. In summary, the available evidence is currently insufficient to determine the role of this variant in disease. Therefore, it has been classified as a Variant of Uncertain Significance.

Mayo Clinic Laboratories, Mayo Clinic
Classification: Uncertain significance. Last evaluated: 2025-02-21. Review status: criteria provided, single submitter. Criteria: ACMG Guidelines, 2015. Collection method: clinical testing. Allele origin: germline. Observed: 2 variant alleles.
Comment: BP4

Revvity Omics, Revvity
Classification: Uncertain significance. Last evaluated: 2020-02-18. Review status: criteria provided, single submitter. Criteria: ACMG Guidelines, 2015. Collection method: clinical testing. Allele origin: germline.

GeneDx
Classification: Likely benign. Last evaluated: 2019-06-10. Review status: criteria provided, single submitter. Criteria: GeneDx Variant Classification Process June 2021. Collection method: clinical testing. Allele origin: germline. Affected: yes.

NM_201384.3(PLEC):c.11735G>A (p.Arg3912Gln)

Gene: PLEC (plectin; minus strand). Cytogenetic location: 8q24.3.
Variant type: single nucleotide variant.
Coding change: c.11735G>A on transcript NM_201384.3 (MANE Select); coding-DNA position 11735, G replaced by A.
Protein change: p.Arg3912Gln; replaces arginine 3912 with glutamine.
Molecular consequence: missense variant.
Genome position (GRCh38, 1-based): chr8:143,918,086, C>T on the plus strand (G>A on the coding strand, the complement: PLEC is on the minus strand). VCF-style: chr8-143918086-C-T. GRCh37 (hg19) VCF-style: chr8-144992254-C-T.
Other names: p.Arg3939Gln; c.11816G>A, p.Arg3939Gln (NM_000445.5); c.11693G>A, p.Arg3898Gln (NM_201378.4); c.11669G>A, p.Arg3890Gln (NM_201379.3); c.12146G>A, p.Arg4049Gln (NM_201380.4); c.11639G>A, p.Arg3880Gln (NM_201381.3); c.11735G>A, p.Arg3912Gln (NM_201382.4); c.11747G>A, p.Arg3916Gln (NM_201383.3); short protein forms R3880Q, R3890Q, R3898Q, R3912Q, R3916Q, R3939Q, R4049Q.
Identifiers: ClinVar variation 378373 (VCV000378373.16), dbSNP rs781960031, ClinGen allele CA4924258.
Genomic context (GRCh38, chr8:143,918,086, plus strand): 5'-GTGCCTTCCAGGAACTTCTGCAAGTTCTTGGTGACCTCCTCGATGGAGGTCAGGCCCTCC[C>T]GCAGCTGCAGCGCCGTGGCCTCGTCCATGACCTGCGAGCGCACCAGCTCCTCCATGGTGA-3'
Protein context (NP_958786.1, residues 3902-3922): VMDEATALQL[Arg3912Gln]EGLTSIEEVT